The following is an entry in ClinVar:

NM_031433.4(MFRP):c.1635G>A (p.Ala545=)

Genes: C1QTNF5 (C1q and TNF related 5; minus strand), MFRP (membrane frizzled-related protein; minus strand). Cytogenetic location: 11q23.3.
Variant type: single nucleotide variant.
Coding change: c.1635G>A on transcript NM_031433.4 (MANE Select); coding-DNA position 1635, G replaced by A.
Protein change: p.Ala545=; no amino-acid change (alanine 545 retained).
Molecular consequence: synonymous variant. On other transcripts: 5 prime UTR variant (1).
Genome position (GRCh38, 1-based): chr11:119,341,653, C>T on the plus strand (G>A on the coding strand, the complement: MFRP is on the minus strand). VCF-style: chr11-119341653-C-T. GRCh37 (hg19) VCF-style: chr11-119212363-C-T.
Other names: c.-1002G>A (NM_015645.5).
Identifiers: ClinVar variation 194274 (VCV000194274.48), dbSNP rs138370910, ClinGen allele CA017110.

ClinVar aggregate classification (germline): Benign/Likely benign. Review status: criteria provided, multiple submitters, no conflicts (2 of 4 stars). 4 submissions from 4 submitters: Benign (2); Likely benign (1). 1 of the submissions does not count toward it. Last evaluated 2026-04-01.

Conditions:
Isolated microphthalmia 5. Also called: Posterior Microphthalmia with Retinitis Pigmentosa, Foveoschisis, and Optic Disc Drusen. Identifiers: Orphanet 251279, MedGen C1970236, MONDO:0012605, OMIM 611040.

Allele frequency attached by ClinVar (database versions not stated): TOPMed 0.00395; gnomAD 0.00631 and 0.00609; 1000 Genomes Project 0.00220; 1000 Genomes Project 30x 0.00219; ESP Exome Variant Server 0.00416; ExAC 0.00535; gnomAD exomes 0.00592.

Submissions (4):

CeGaT Center for Human Genetics Tuebingen
Classification: Likely benign. Last evaluated: 2026-04-01. Review status: criteria provided, single submitter. Criteria: CeGaT Center For Human Genetics Tuebingen Variant Classification Criteria Version 2. Collection method: clinical testing. Allele origin: germline. Affected: yes. Observed: 8 variant alleles.
Comment: C1QTNF5: BS2; MFRP: BP4, BP7, BS2

Labcorp Genetics (formerly Invitae), Labcorp
Classification: Benign for Isolated microphthalmia 5. Last evaluated: 2026-01-30. Review status: criteria provided, single submitter. Criteria: Invitae Variant Classification Sherloc (09022015). Collection method: clinical testing. Allele origin: germline.

Eurofins Ntd Llc (ga)
Classification: Benign. Last evaluated: 2014-06-25. Review status: criteria provided, single submitter. Criteria: EGL Classification Definitions 2015. Collection method: clinical testing. Allele origin: germline. Observed: 1 variant allele, 1 heterozygote.

Clinical Genetics DNA and cytogenetics Diagnostics Lab, Erasmus MC, Erasmus Medical Center
Classification: Likely benign. Review status: no assertion criteria provided. Collection method: clinical testing. Allele origin: germline. Affected: yes. Study: VKGL Data-share Consensus. Not counted in ClinVar's aggregate classification.